The following is an entry in ClinVar:

ClinVar aggregate classification (germline): Uncertain significance (1 of 4 stars; one submission).

Conditions:
Cardiovascular phenotype. Identifiers: MedGen CN230736.

gnomAD v4.1: 2 of 1,611,972 alleles (0.00012%); highest among the groups gnomAD compares: Admixed American, 0.0017%; no homozygotes.

Submission:

Ambry Genetics
Classification: Uncertain significance for Cardiovascular phenotype. Last evaluated: 2025-04-07. Review status: criteria provided, single submitter. Criteria: Ambry Variant Classification Scheme 2023. Collection method: clinical testing. Allele origin: germline.
Comment: The p.G3242S variant (also known as c.9724G>A), located in coding exon 27 of the TNXB gene, results from a G to A substitution at nucleotide position 9724. The glycine at codon 3242 is replaced by serine, an amino acid with similar properties. This amino acid position is conserved. In addition, this alteration is predicted to be tolerated by in silico analysis. Based on the available evidence, the clinical significance of this variant remains unclear.

NM_001365276.2(TNXB):c.9730G>A (p.Gly3244Ser)

Gene: TNXB (tenascin XB; minus strand). Cytogenetic location: 6p21.33.
Variant type: single nucleotide variant.
Coding change: c.9730G>A on transcript NM_001365276.2 (MANE Select); coding-DNA position 9730, G replaced by A.
Protein change: p.Gly3244Ser; replaces glycine 3244 with serine.
Molecular consequence: missense variant.
Genome position (GRCh38, 1-based): chr6:32,049,297, C>T on the plus strand (G>A on the coding strand, the complement: TNXB is on the minus strand). VCF-style: chr6-32049297-C-T. GRCh37 (hg19) VCF-style: chr6-32017074-C-T.
Other names: c.10471G>A, p.Gly3491Ser (NM_001428335.1); c.9724G>A, p.Gly3242Ser (NM_019105.8); short protein forms G3244S, G3491S, G3242S.
Identifiers: ClinVar variation 3971990 (VCV003971990.1).